The following is an entry in ClinVar:

ClinVar aggregate classification (germline): Likely pathogenic (1 of 4 stars; one submission).

Conditions:
Ellis-van Creveld syndrome (EVC). Also called: EVC-Related Ellis-van Creveld Syndrome; EVC2-Related Ellis-van Creveld Syndrome; MESOECTODERMAL DYSPLASIA; Chondroectodermal dysplasia. Identifiers: Orphanet 289, MedGen C0013903, MONDO:0009162, OMIM 225500.

Submission:

Myriad Genetics, Inc.
Classification: Likely pathogenic for Ellis-van Creveld syndrome. Last evaluated: 2022-02-19. Review status: criteria provided, single submitter. Criteria: Myriad Women's Health Autosomal Recessive and X-Linked Classification Criteria (2021). Collection method: clinical testing. Allele origin: unknown.
Comment: NM_147127.4(EVC2):c.2878G>T(E960*) is expected to be pathogenic in the context of EVC2-related Ellis-van Creveld syndrome. This variant is predicted to lead to an abnormal or absent protein product due to the creation of a premature termination codon in EVC2, a gene where loss-of-function variants are known to be pathogenic. Please note: this variant was assessed in the context of healthy population screening.

NM_147127.5(EVC2):c.2878G>T (p.Glu960Ter)

Gene: EVC2 (EvC ciliary complex subunit 2; minus strand). Cytogenetic location: 4p16.2.
Variant type: single nucleotide variant.
Coding change: c.2878G>T on transcript NM_147127.5 (MANE Select); coding-DNA position 2878, G replaced by T.
Protein change: p.Glu960Ter; replaces glutamic acid 960 with a stop codon.
Molecular consequence: nonsense.
Genome position (GRCh38, 1-based): chr4:5,584,802, C>A on the plus strand (G>T on the coding strand, the complement: EVC2 is on the minus strand). VCF-style: chr4-5584802-C-A. GRCh37 (hg19) VCF-style: chr4-5586529-C-A.
Other names: c.2638G>T, p.Glu880Ter (NM_001166136.2); short protein forms E880*, E960*.
Identifiers: ClinVar variation 1724568 (VCV001724568.2), dbSNP rs868183689, ClinGen allele CA356154936.